The following is an entry in ClinVar:

NM_022575.4(VPS16):c.1192A>C (p.Ser398Arg)

Gene: VPS16 (VPS16 core subunit of CORVET and HOPS complexes; plus strand). Cytogenetic location: 20p13.
Variant type: single nucleotide variant.
Coding change: c.1192A>C on transcript NM_022575.4 (MANE Select); coding-DNA position 1192, A replaced by C.
Protein change: p.Ser398Arg; replaces serine 398 with arginine.
Molecular consequence: missense variant. On other transcripts: intron variant (1).
Genome position (GRCh38, 1-based): chr20:2,862,699, A>C. VCF-style: chr20-2862699-A-C. GRCh37 (hg19) VCF-style: chr20-2843345-A-C.
Other names: c.900-366A>C (NM_080413.3); short protein forms S398R.
Identifiers: ClinVar variation 2455476 (VCV002455476.6), dbSNP rs142410935, ClinGen allele CA9737620.
Genomic context (GRCh38, chr20:2,862,699, plus strand): 5'-CAGGCCGTGCAGCAGTGCATTGAGGCTGCAGGACATGAGCACCAGCCAGACATGCAGAAG[A>C]GTCTGCTCAGGGTTGGCCTGGATGGCCGGGCCGGGGAGGGTGGGGCTGGGAGGGGGTGGG-3'
Protein context (NP_072097.2, residues 388-408): GHEHQPDMQK[Ser398Arg]LLRAASFGKC

ClinVar aggregate classification (germline): Uncertain significance. Review status: criteria provided, multiple submitters, no conflicts (2 of 4 stars). 2 submissions from 2 submitters: Uncertain significance (2). Last evaluated 2026-01-01.

Conditions:
Inborn genetic diseases. Identifiers: MedGen C0950123, MeSH D030342.

Allele frequency attached by ClinVar (database versions not stated): ExAC 0.00003; gnomAD exomes 0.00003; TOPMed 0.00010; gnomAD 0.00014; ESP Exome Variant Server 0.00023.
gnomAD v4.1: 58 of 1,423,666 alleles (0.0041%); highest among the groups gnomAD compares: Non-Finnish European, 0.0052%; no homozygotes.

Submissions (2):

CeGaT Center for Human Genetics Tuebingen
Classification: Uncertain significance. Last evaluated: 2026-01-01. Review status: criteria provided, single submitter. Criteria: CeGaT Center For Human Genetics Tuebingen Variant Classification Criteria Version 2. Collection method: clinical testing. Allele origin: germline. Affected: yes. Observed: 1 variant allele.
Comment: VPS16: PM2

Ambry Genetics
Classification: Uncertain significance for Inborn genetic diseases. Last evaluated: 2023-02-15. Review status: criteria provided, single submitter. Criteria: Ambry Variant Classification Scheme 2023. Collection method: clinical testing. Allele origin: germline.